The following is an entry in ClinVar:

NM_000321.3(RB1):c.125T>C (p.Leu42Pro)

Gene: RB1 (RB transcriptional corepressor 1; plus strand). Cytogenetic location: 13q14.2.
Variant type: single nucleotide variant.
Coding change: c.125T>C on transcript NM_000321.3 (MANE Select); coding-DNA position 125, T replaced by C.
Protein change: p.Leu42Pro; replaces leucine 42 with proline.
Molecular consequence: missense variant.
Genome position (GRCh38, 1-based): chr13:48,304,037, T>C. VCF-style: chr13-48304037-T-C. GRCh37 (hg19) VCF-style: chr13-48878173-T-C.
Other names: short protein forms L42P.
Identifiers: ClinVar variation 999979 (VCV000999979.8), dbSNP rs1593412272, ClinGen allele CA388250382.

ClinVar aggregate classification (germline): Uncertain significance (1 of 4 stars; one submission).

Conditions:
Retinoblastoma (RB1). Also called: RETINOBLASTOMA, SOMATIC. Identifiers: Orphanet 790, MedGen C0035335, MeSH D012175, MONDO:0008380, OMIM 180200, HP:0009919. Disease mechanism: loss of function. Inheritance: Both sporadic and heritable forms are tested..

Submission:

Labcorp Genetics (formerly Invitae), Labcorp
Classification: Uncertain significance for Retinoblastoma. Last evaluated: 2023-08-10. Review status: criteria provided, single submitter. Criteria: Invitae Variant Classification Sherloc (09022015). Collection method: clinical testing. Allele origin: germline.
Comment: This sequence change replaces leucine, which is neutral and non-polar, with proline, which is neutral and non-polar, at codon 42 of the RB1 protein (p.Leu42Pro). This variant is not present in population databases (gnomAD no frequency). This variant has not been reported in the literature in individuals affected with RB1-related conditions. ClinVar contains an entry for this variant (Variation ID: 999979). Advanced modeling of protein sequence and biophysical properties (such as structural, functional, and spatial information, amino acid conservation, physicochemical variation, residue mobility, and thermodynamic stability) has been performed at Invitae for this missense variant, however the output from this modeling did not meet the statistical confidence thresholds required to predict the impact of this variant on RB1 protein function. In summary, the available evidence is currently insufficient to determine the role of this variant in disease. Therefore, it has been classified as a Variant of Uncertain Significance.